The following is an entry in ClinVar:

NM_170606.3(KMT2C):c.3920C>T (p.Ser1307Phe)

Gene: KMT2C (lysine methyltransferase 2C; minus strand). Cytogenetic location: 7q36.1.
Variant type: single nucleotide variant.
Coding change: c.3920C>T on transcript NM_170606.3 (MANE Select); coding-DNA position 3920, C replaced by T.
Protein change: p.Ser1307Phe; replaces serine 1307 with phenylalanine.
Molecular consequence: missense variant.
Genome position (GRCh38, 1-based): chr7:152,205,147, G>A on the plus strand (C>T on the coding strand, the complement: KMT2C is on the minus strand). VCF-style: chr7-152205147-G-A. GRCh37 (hg19) VCF-style: chr7-151902232-G-A.
Other names: short protein forms S1307F.
Identifiers: ClinVar variation 2635238 (VCV002635238.1), dbSNP rs559949839, ClinGen allele CA4580699.

ClinVar aggregate classification (germline): Uncertain significance (1 of 4 stars; one submission).

Conditions:
KMT2C-related disorder. Also called: KMT2C-related condition; KMT2C-related disorders.

Allele frequency attached by ClinVar (database versions not stated): ExAC 0.00001; TOPMed 0.00002; gnomAD 0.00003; 1000 Genomes Project 30x 0.00016; 1000 Genomes Project 0.00020.
gnomAD v4.1: 9 of 1,612,142 alleles (0.00056%); highest among the groups gnomAD compares: African/African-American, 0.012%; no homozygotes.

Submission:

PreventionGenetics, part of Exact Sciences
Classification: Uncertain significance for KMT2C-related condition. Last evaluated: 2022-12-08. Review status: criteria provided, single submitter. Criteria: ACMG Guidelines, 2015. Collection method: clinical testing. Allele origin: germline.
Comment: The KMT2C c.3920C>T variant is predicted to result in the amino acid substitution p.Ser1307Phe. To our knowledge, this variant has not been reported in the literature. This variant is reported in 0.0062% of alleles in individuals of African descent in gnomAD. At this time, the clinical significance of this variant is uncertain due to the absence of conclusive functional and genetic evidence.